The following is an entry in ClinVar:

NM_000214.3(JAG1):c.2415del (p.Cys806fs)

Gene: JAG1 (jagged canonical Notch ligand 1; minus strand). Cytogenetic location: 20p12.2.
Variant type: Deletion.
Coding change: c.2415del on transcript NM_000214.3 (MANE Select); coding-DNA position 2415, one base deleted (G; older notation c.2415delG).
Protein change: p.Cys806fs; shifts the reading frame from cysteine 806.
Molecular consequence: frameshift variant.
Genome position (GRCh38, 1-based): chr20:10,643,821, C deleted on the plus strand (G on the coding strand, the reverse complement: JAG1 is on the minus strand); the first of 2 consecutive C bases (chr20:10,643,821-10,643,822); deleting either gives the same sequence. VCF-style (leftmost placement, unchanged base first): chr20-10643820-AC-A. GRCh37 (hg19) VCF-style: chr20-10624468-AC-A.
Other names: short protein forms C806fs.
Identifiers: ClinVar variation 1998902 (VCV001998902.4), dbSNP rs2514511621, ClinGen allele CA2580097857.

ClinVar aggregate classification (germline): Pathogenic (1 of 4 stars; one submission).

Conditions:
Alagille syndrome due to a JAG1 point mutation. Also called: HEPATIC DUCTULAR HYPOPLASIA, SYNDROMATIC; JAG1-Related Alagille Syndrome; Alagille Syndrome 1. Identifiers: Orphanet 261619, Orphanet 52, MedGen C1956125, MONDO:0016862, OMIM 118450.

Submission:

Labcorp Genetics (formerly Invitae), Labcorp
Classification: Pathogenic for Alagille syndrome due to a JAG1 point mutation. Last evaluated: 2022-05-25. Review status: criteria provided, single submitter. Criteria: Invitae Variant Classification Sherloc (09022015). Collection method: clinical testing. Allele origin: germline.
Comment: For these reasons, this variant has been classified as Pathogenic. This variant has not been reported in the literature in individuals affected with JAG1-related conditions. This variant is not present in population databases (gnomAD no frequency). This sequence change creates a premature translational stop signal (p.Cys806Alafs*14) in the JAG1 gene. It is expected to result in an absent or disrupted protein product. Loss-of-function variants in JAG1 are known to be pathogenic (PMID: 11180599).

Literature cited by the submitters: PubMed 11180599.